The following is an entry in ClinVar:

NM_015932.6(POMP):c.131C>T (p.Pro44Leu)

Gene: POMP (proteasome maturation protein; plus strand). Cytogenetic location: 13q12.3.
Variant type: single nucleotide variant.
Coding change: c.131C>T on transcript NM_015932.6 (MANE Select); coding-DNA position 131, C replaced by T.
Protein change: p.Pro44Leu; replaces proline 44 with leucine.
Molecular consequence: missense variant.
Genome position (GRCh38, 1-based): chr13:28,664,538, C>T. VCF-style: chr13-28664538-C-T. GRCh37 (hg19) VCF-style: chr13-29238675-C-T.
Other names: short protein forms P44L.
Identifiers: ClinVar variation 1424489 (VCV001424489.6), dbSNP rs1482117064, ClinGen allele CA387802512.

ClinVar aggregate classification (germline): Uncertain significance (1 of 4 stars; one submission).

Submission:

Labcorp Genetics (formerly Invitae), Labcorp
Classification: Uncertain significance. Last evaluated: 2021-08-27. Review status: criteria provided, single submitter. Criteria: Invitae Variant Classification Sherloc (09022015). Collection method: clinical testing. Allele origin: germline.
Comment: In summary, the available evidence is currently insufficient to determine the role of this variant in disease. Therefore, it has been classified as a Variant of Uncertain Significance. Algorithms developed to predict the effect of missense changes on protein structure and function are either unavailable or do not agree on the potential impact of this missense change (SIFT: "Tolerated"; PolyPhen-2: "Possibly Damaging"; Align-GVGD: "Class C0"). This variant has not been reported in the literature in individuals affected with POMP-related conditions. This variant is not present in population databases (ExAC no frequency). This sequence change replaces proline with leucine at codon 44 of the POMP protein (p.Pro44Leu). The proline residue is highly conserved and there is a moderate physicochemical difference between proline and leucine.